The following is an entry in ClinVar:

ClinVar aggregate classification (germline): Pathogenic (1 of 4 stars; one submission).

Allele frequency attached by ClinVar (database versions not stated): gnomAD exomes below 0.00001.
gnomAD v4.1: 1 of 1,613,056 alleles (0.000062%); highest among the groups gnomAD compares: African/African-American, 0.0013%; no homozygotes.

Submission:

Labcorp Genetics (formerly Invitae), Labcorp
Classification: Pathogenic. Last evaluated: 2023-02-23. Review status: criteria provided, single submitter. Criteria: Invitae Variant Classification Sherloc (09022015). Collection method: clinical testing. Allele origin: germline.
Comment: ClinVar contains an entry for this variant (Variation ID: 1323599). For these reasons, this variant has been classified as Pathogenic. This variant has not been reported in the literature in individuals affected with SLC12A1-related conditions. This sequence change creates a premature translational stop signal (p.Gln22*) in the SLC12A1 gene. It is expected to result in an absent or disrupted protein product. Loss-of-function variants in SLC12A1 are known to be pathogenic (PMID: 8640224, 9585600, 19096086). This variant is not present in population databases (gnomAD no frequency).

Literature cited by the submitters: PubMed 8640224; PubMed 9585600; PubMed 19096086.

NM_000338.3(SLC12A1):c.64C>T (p.Gln22Ter)

Gene: SLC12A1 (solute carrier family 12 member 1; plus strand). Cytogenetic location: 15q21.1.
Variant type: single nucleotide variant.
Coding change: c.64C>T on transcript NM_000338.3 (MANE Select); coding-DNA position 64, C replaced by T.
Protein change: p.Gln22Ter; replaces glutamine 22 with a stop codon.
Molecular consequence: nonsense.
Genome position (GRCh38, 1-based): chr15:48,207,783, C>T. VCF-style: chr15-48207783-C-T. GRCh37 (hg19) VCF-style: chr15-48499980-C-T.
Other names: c.64C>T, p.Gln22Ter (NM_001184832.2, NM_001384136.1); short protein forms Q22*.
Identifiers: ClinVar variation 2840113 (VCV002840113.3), dbSNP rs2140999192, ClinGen allele CA392331091.